The following is an entry in ClinVar:

NM_000038.6(APC):c.4367A>C (p.Lys1456Thr)

Gene: APC (APC regulator of Wnt signaling pathway; plus strand). Cytogenetic location: 5q22.2.
Variant type: single nucleotide variant.
Coding change: c.4367A>C on transcript NM_000038.6 (MANE Select); coding-DNA position 4367, A replaced by C.
Protein change: p.Lys1456Thr; replaces lysine 1456 with threonine.
Molecular consequence: missense variant.
Genome position (GRCh38, 1-based): chr5:112,839,961, A>C. VCF-style: chr5-112839961-A-C. GRCh37 (hg19) VCF-style: chr5-112175658-A-C.
Other names: c.4367A>C, p.Lys1456Thr (NM_001127510.3, NM_001354895.2); c.4313A>C, p.Lys1438Thr (NM_001127511.3); c.4421A>C, p.Lys1474Thr (NM_001354896.2); c.4397A>C, p.Lys1466Thr (NM_001354897.2); c.4292A>C, p.Lys1431Thr (NM_001354898.2); c.4283A>C, p.Lys1428Thr (NM_001354899.2); c.4244A>C, p.Lys1415Thr (NM_001354900.2); c.4190A>C, p.Lys1397Thr (NM_001354901.2); and 5 more; short protein forms K1438T, K1456T, K1330T, K1365T, K1474T, K1428T, K1173T, K1296T.
Identifiers: ClinVar variation 654534 (VCV000654534.10), dbSNP rs780590508, ClinGen allele CA038837.

ClinVar aggregate classification (germline): Uncertain significance. Review status: criteria provided, multiple submitters, no conflicts (2 of 4 stars). 2 submissions from 2 submitters: Uncertain significance (2). Last evaluated 2026-01-25.

Conditions:
Familial adenomatous polyposis 1 (FAP1). Also called: FAMILIAL ADENOMATOUS POLYPOSIS 1, ATTENUATED; POLYPOSIS, ADENOMATOUS INTESTINAL. Identifiers: MedGen C2713442, MONDO:0021056, OMIM 175100. Disease mechanism: loss of function.
Hereditary cancer-predisposing syndrome. Also called: Hereditary neoplastic syndrome; Tumor predisposition; Neoplastic Syndromes, Hereditary; Hereditary Cancer Syndrome. Identifiers: Orphanet 140162, MedGen C0027672, MeSH D009386, MONDO:0015356.

Allele frequency attached by ClinVar (database versions not stated): gnomAD exomes below 0.00001; ExAC 0.00001.
gnomAD v4.1: 1 of 1,614,132 alleles (0.000062%); highest among the groups gnomAD compares: Non-Finnish European, 0.000085%; no homozygotes.

Submissions (2):

Labcorp Genetics (formerly Invitae), Labcorp
Classification: Uncertain significance for Familial adenomatous polyposis 1. Last evaluated: 2026-01-25. Review status: criteria provided, single submitter. Criteria: Invitae Variant Classification Sherloc (09022015). Collection method: clinical testing. Allele origin: germline.
Comment: This sequence change replaces lysine, which is basic and polar, with threonine, which is neutral and polar, at codon 1456 of the APC protein (p.Lys1456Thr). This variant is not present in population databases (gnomAD no frequency). This missense change has been observed in individual(s) with familial adenomatous polyposis (PMID: 35633533). ClinVar contains an entry for this variant (Variation ID: 654534). Invitae Evidence Modeling of protein sequence and biophysical properties (such as structural, functional, and spatial information, amino acid conservation, physicochemical variation, residue mobility, and thermodynamic stability) indicates that this missense variant is not expected to disrupt APC protein function with a negative predictive value of 95%. In summary, the available evidence is currently insufficient to determine the role of this variant in disease. Therefore, it has been classified as a Variant of Uncertain Significance.

Ambry Genetics
Classification: Uncertain significance for Hereditary cancer-predisposing syndrome. Last evaluated: 2020-06-24. Review status: criteria provided, single submitter. Criteria: Ambry Variant Classification Scheme 2023. Collection method: clinical testing. Allele origin: germline.
Comment: The p.K1456T variant (also known as c.4367A>C), located in coding exon 15 of the APC gene, results from an A to C substitution at nucleotide position 4367. The lysine at codon 1456 is replaced by threonine, an amino acid with similar properties. This alteration has been observed in one individual with colorectal cancer from a cohort of patients with Cowden/Cowden-like (CS/CS-like) and Bannayan-Riley-Ruvalcaba syndromes (BRRS) without PTEN mutations (Yehia L et al. PLoS Genet., 2018 04;14:e1007352). This amino acid position is well conserved in available vertebrate species. In addition, in silico predictors for this gene do not accurately predict pathogenicity. Since supporting evidence is limited at this time, the clinical significance of this alteration remains unclear.

Literature cited by the submitters: PubMed 35633533 (cited by Labcorp Genetics (formerly Invitae), Labcorp); PubMed 29684080 (cited by Ambry Genetics).